The following is an entry in ClinVar:

NM_001367721.1(CASK):c.2540C>T (p.Thr847Ile)

Gene: CASK (calcium/calmodulin dependent serine protein kinase; minus strand). Cytogenetic location: Xp11.4.
Variant type: single nucleotide variant.
Coding change: c.2540C>T on transcript NM_001367721.1 (MANE Select); coding-DNA position 2540, C replaced by T.
Protein change: p.Thr847Ile; replaces threonine 847 with isoleucine.
Molecular consequence: missense variant.
Genome position (GRCh38, 1-based): chrX:41,524,015, G>A on the plus strand (C>T on the coding strand, the complement: CASK is on the minus strand). VCF-style: chrX-41524015-G-A. GRCh37 (hg19) VCF-style: chrX-41383268-G-A.
Other names: c.2456C>T, p.Thr819Ile (NM_001126054.3); c.2453C>T, p.Thr818Ile (NM_001126055.3); c.2522C>T, p.Thr841Ile (NM_001410745.1); c.2525C>T, p.Thr842Ile (NM_003688.4); short protein forms T819I, T847I, T842I, T818I, T841I.
Identifiers: ClinVar variation 1041379 (VCV001041379.8), dbSNP rs2064675122, ClinGen allele CA412989242.
Genomic context (GRCh38, chrX:41,524,015, plus strand): 5'-TTTAAACCTGGAGTAATAGTTGGTGCAGCAATGAAAACAACAAAAGGAGCAAACTCTGCA[G>A]TTCTCAGGACCTTCAGTGCCTGTGTTAAGAAAAAAAAAAAAAATCCCGACTTAAAAGAAG-3'
Protein context (NP_001354650.1, residues 837-857): VEPQALKVLR[Thr847Ile]AEFAPFVVFI

ClinVar aggregate classification (germline): Uncertain significance (1 of 4 stars; one submission).

Conditions:
Intellectual disability, CASK-related, X-linked. Identifiers: MedGen CN043158.

Allele frequency attached by ClinVar (database versions not stated): gnomAD exomes below 0.00001.
gnomAD v4.1: 2 of 1,184,167 alleles (0.00017%); highest among the groups gnomAD compares: Admixed American, 0.0022%; no homozygotes.

Submission:

Labcorp Genetics (formerly Invitae), Labcorp
Classification: Uncertain significance for Intellectual disability, CASK-related, X-linked. Last evaluated: 2024-07-15. Review status: criteria provided, single submitter. Criteria: Invitae Variant Classification Sherloc (09022015). Collection method: clinical testing. Allele origin: germline.
Comment: This sequence change replaces threonine, which is neutral and polar, with isoleucine, which is neutral and non-polar, at codon 842 of the CASK protein (p.Thr842Ile). This variant is not present in population databases (gnomAD no frequency). This variant has not been reported in the literature in individuals affected with CASK-related conditions. ClinVar contains an entry for this variant (Variation ID: 1041379). Advanced modeling of protein sequence and biophysical properties (such as structural, functional, and spatial information, amino acid conservation, physicochemical variation, residue mobility, and thermodynamic stability) has been performed at Invitae for this missense variant, however the output from this modeling did not meet the statistical confidence thresholds required to predict the impact of this variant on CASK protein function. In summary, the available evidence is currently insufficient to determine the role of this variant in disease. Therefore, it has been classified as a Variant of Uncertain Significance.